The following is an entry in ClinVar:

NM_201525.4(ADGRG1):c.105C>A (p.Cys35Ter)

Gene: ADGRG1 (adhesion G protein-coupled receptor G1; plus strand). Cytogenetic location: 16q21.
Variant type: single nucleotide variant.
Coding change: c.105C>A on transcript NM_201525.4 (MANE Select); coding-DNA position 105, C replaced by A.
Protein change: p.Cys35Ter; replaces cysteine 35 with a stop codon.
Molecular consequence: nonsense. On other transcripts: 5 prime UTR variant (1), intron variant (5).
Genome position (GRCh38, 1-based): chr16:57,651,240, C>A. VCF-style: chr16-57651240-C-A. GRCh37 (hg19) VCF-style: chr16-57685152-C-A.
Other names: c.105C>A, p.Cys35Ter (NM_001145770.3, NM_001145771.3, NM_001145772.3 and 17 more transcripts); c.120C>A, p.Cys40Ter (NM_001145773.3, NM_001370433.1); c.-421C>A (NM_001370453.1); c.-418-3C>A (NM_001370451.1, NM_001290143.2, NM_001290144.2); c.65-116C>A (NM_001370442.1); c.-414-7C>A (NM_001370454.1); short protein forms C40*, C35*.
Identifiers: ClinVar variation 2137834 (VCV002137834.4), dbSNP rs2545101154, ClinGen allele CA396041313.
Genomic context (GRCh38, chr16:57,651,240, plus strand): 5'-TGCAGCCTCTGCCTCCTCAGGTGCCCACGGCAGGGGCCACAGGGAAGACTTTCGCTTCTG[C>A]AGCCAGCGGAACCAGACACACAGGAGCAGCCTCCACTACAAACCCACACCAGACCTGCGC-3'

ClinVar aggregate classification (germline): Pathogenic (1 of 4 stars; one submission).

Submission:

Labcorp Genetics (formerly Invitae), Labcorp
Classification: Pathogenic. Last evaluated: 2022-09-14. Review status: criteria provided, single submitter. Criteria: Invitae Variant Classification Sherloc (09022015). Collection method: clinical testing. Allele origin: germline.
Comment: This variant is not present in population databases (gnomAD no frequency). This sequence change creates a premature translational stop signal (p.Cys35*) in the ADGRG1 gene. It is expected to result in an absent or disrupted protein product. Loss-of-function variants in ADGRG1 are known to be pathogenic (PMID: 15044805, 20929962). This premature translational stop signal has been observed in individual(s) with bilateral frontoparietal polymicrogyria (PMID: 23274687). For these reasons, this variant has been classified as Pathogenic.

Literature cited by the submitters: PubMed 15044805; PubMed 20929962; PubMed 23274687.